The following is an entry in ClinVar:

NM_001365536.1(SCN9A):c.2344-2A>G

Genes: SCN9A (sodium voltage-gated channel alpha subunit 9; minus strand), SCN1A-AS1 (SCN1A and SCN9A antisense RNA 1; plus strand). Cytogenetic location: 2q24.3.
Variant type: single nucleotide variant.
Coding change: c.2344-2A>G on transcript NM_001365536.1 (MANE Select); the canonical splice acceptor site of the intron before coding-DNA position 2344, A replaced by G.
Molecular consequence: splice acceptor variant.
Genome position (GRCh38, 1-based): chr2:166,278,315, T>C on the plus strand (A>G on the coding strand, the complement: SCN9A is on the minus strand). VCF-style: chr2-166278315-T-C. GRCh37 (hg19) VCF-style: chr2-167134825-T-C.
Other names: c.2311-2A>G (NM_002977.4).
Identifiers: ClinVar variation 1487415 (VCV001487415.8), dbSNP rs1697328487, ClinGen allele CA349078550.

ClinVar aggregate classification (germline): Likely pathogenic (1 of 4 stars; one submission).

Conditions:
Neuropathy, hereditary sensory and autonomic, type 2A (HSAN2A). Also called: MORVAN DISEASE; NEUROPATHY, CONGENITAL SENSORY; NEUROPATHY, HEREDITARY SENSORY RADICULAR, AUTOSOMAL RECESSIVE; NEUROPATHY, HEREDITARY SENSORY, TYPE IIA; NEUROPATHY, PROGRESSIVE SENSORY, OF CHILDREN; ACROOSTEOLYSIS, GIACCAI TYPE. Identifiers: Orphanet 970, MedGen C2752089, MONDO:0024309, OMIM 201300.
Generalized epilepsy with febrile seizures plus, type 7 (GEFSP7). Also called: GEFS+, TYPE 7. Identifiers: Orphanet 36387, MedGen C2751778, MONDO:0013470, OMIM 613863.

Submission:

Labcorp Genetics (formerly Invitae), Labcorp
Classification: Likely pathogenic for Neuropathy, hereditary sensory and autonomic, type 2A; Generalized epilepsy with febrile seizures plus, type 7. Last evaluated: 2021-03-23. Review status: criteria provided, single submitter. Criteria: Invitae Variant Classification Sherloc (09022015). Collection method: clinical testing. Allele origin: germline.
Comment: This sequence change affects an acceptor splice site in intron 14 of the SCN9A gene. It is expected to disrupt RNA splicing. Variants that disrupt the donor or acceptor splice site typically lead to a loss of protein function (PMID: 16199547), and loss-of-function variants in SCN9A are known to be pathogenic (PMID: 17470132, 19304393). This variant is not present in population databases (ExAC no frequency). In summary, the currently available evidence indicates that the variant is pathogenic, but additional data are needed to prove that conclusively. Therefore, this variant has been classified as Likely Pathogenic. Algorithms developed to predict the effect of sequence changes on RNA splicing suggest that this variant may disrupt the consensus splice site, but this prediction has not been confirmed by published transcriptional studies. This variant has not been reported in the literature in individuals with SCN9A-related conditions.

Literature cited by the submitters: PubMed 16199547; PubMed 17470132; PubMed 19304393.